The following is an entry in ClinVar:

NM_000458.4(HNF1B):c.1354C>T (p.Gln452Ter)

Gene: HNF1B (HNF1 homeobox B; minus strand). Cytogenetic location: 17q12.
Variant type: single nucleotide variant.
Coding change: c.1354C>T on transcript NM_000458.4 (MANE Select); coding-DNA position 1354, C replaced by T.
Protein change: p.Gln452Ter; replaces glutamine 452 with a stop codon.
Molecular consequence: nonsense. On other transcripts: intron variant (1).
Genome position (GRCh38, 1-based): chr17:37,701,163, G>A on the plus strand (C>T on the coding strand, the complement: HNF1B is on the minus strand). VCF-style: chr17-37701163-G-A. GRCh37 (hg19) VCF-style: chr17-36061168-G-A.
Other names: c.1276C>T, p.Gln426Ter (NM_001165923.4); c.1354C>T, p.Gln452Ter (NM_001411100.1); c.1261+3754C>T (NM_001304286.2); short protein forms Q426*, Q452*.
Identifiers: ClinVar variation 2630173 (VCV002630173.1), dbSNP rs2511701125, ClinGen allele CA398756089.

ClinVar aggregate classification (germline): Likely pathogenic (1 of 4 stars; one submission).

Conditions:
HNF1B-related disorder. Also called: HNF1B-related disorders; HNF1B-related condition.

Submission:

PreventionGenetics, part of Exact Sciences
Classification: Likely pathogenic for HNF1B-related condition. Last evaluated: 2023-02-20. Review status: criteria provided, single submitter. Criteria: ACMG Guidelines, 2015. Collection method: clinical testing. Allele origin: germline.
Comment: The HNF1B c.1354C>T variant is predicted to result in premature protein termination (p.Gln452*). To our knowledge, this variant has not been reported in the literature or in a large population database, indicating this variant is rare. Nonsense variants in HNF1B are expected to be pathogenic. This variant is interpreted as likely pathogenic.